The following is an entry in ClinVar:

ClinVar aggregate classification (germline): Likely benign. Review status: criteria provided, multiple submitters, no conflicts (2 of 4 stars). 4 submissions from 4 submitters: Likely benign (4). Last evaluated 2026-01-02.

Conditions:
Cardiomyopathy (CMYO). Also called: Cardiomyopathies. Identifiers: Orphanet 167848, MedGen C0878544, MONDO:0004994, HP:0001638. Inheritance: Various modes of inheritance.
Catecholaminergic polymorphic ventricular tachycardia 1. Also called: VENTRICULAR TACHYCARDIA, STRESS-INDUCED POLYMORPHIC 1; VENTRICULAR TACHYCARDIA, CATECHOLAMINERGIC POLYMORPHIC, 1, WITH OR WITHOUT ATRIAL DYSFUNCTION AND/OR DILATED CARDIOMYOPATHY; RYR2-Related Catecholaminergic Polymorphic Ventricular Tachycardia. Identifiers: Orphanet 3286, MedGen C1631597, MONDO:0011484, OMIM 604772.
Cardiovascular phenotype. Identifiers: MedGen CN230736.
Catecholaminergic polymorphic ventricular tachycardia (CVPT). Also called: Catecholamine-induced polymorphic ventricular tachycardia. Identifiers: Orphanet 3286, MedGen C5574922, MONDO:0017990.

Allele frequency attached by ClinVar (database versions not stated): gnomAD exomes 0.00001; gnomAD 0.00002; TOPMed 0.00002.
gnomAD v4.1: 9 of 1,325,346 alleles (0.00068%); highest among the groups gnomAD compares: African/African-American, 0.0015%; no homozygotes.

Submissions (4):

Ambry Genetics
Classification: Likely benign for Cardiovascular phenotype. Last evaluated: 2026-01-02. Review status: criteria provided, single submitter. Criteria: Ambry Variant Classification Scheme 2023. Collection method: clinical testing. Allele origin: germline.

Labcorp Genetics (formerly Invitae), Labcorp
Classification: Likely benign for Catecholaminergic polymorphic ventricular tachycardia 1. Last evaluated: 2025-12-20. Review status: criteria provided, single submitter. Criteria: Invitae Variant Classification Sherloc (09022015). Collection method: clinical testing. Allele origin: germline.

All of Us Research Program, National Institutes of Health
Classification: Likely benign for Catecholaminergic polymorphic ventricular tachycardia. Last evaluated: 2023-05-30. Review status: criteria provided, single submitter. Criteria: ACMG Guidelines, 2015. Collection method: clinical testing. Allele origin: germline. Inheritance: Autosomal dominant inheritance. Observed: 1 variant allele, 1 heterozygote.
Comment: This study involves interpretation of variants in research participants for the purpose of population health screening. Participant phenotype was not available at the time of variant classification. Additional details can be found in publication PMID: 35346344, PMCID: PMC8962531

Color Diagnostics, LLC DBA Color Health
Classification: Likely benign for Cardiomyopathy. Last evaluated: 2019-03-20. Review status: criteria provided, single submitter. Criteria: ACMG Guidelines, 2015. Collection method: clinical testing. Allele origin: germline.

NM_001035.3(RYR2):c.1709-4T>C

Gene: RYR2 (ryanodine receptor 2; plus strand). Cytogenetic location: 1q43.
Variant type: single nucleotide variant.
Coding change: c.1709-4T>C on transcript NM_001035.3 (MANE Select); 4 bases into the intron before coding-DNA position 1709, T replaced by C.
Molecular consequence: intron variant.
Genome position (GRCh38, 1-based): chr1:237,491,802, T>C. VCF-style: chr1-237491802-T-C. GRCh37 (hg19) VCF-style: chr1-237655102-T-C.
Other names: c.1709-4T>C (NM_001035.2).
Identifiers: ClinVar variation 925902 (VCV000925902.13), dbSNP rs1482457874, ClinGen allele CA529539696.